The following is an entry in ClinVar:

NM_014679.5(CEP57):c.575T>C (p.Leu192Pro)

Gene: CEP57 (centrosomal protein 57; plus strand). Cytogenetic location: 11q21.
Variant type: single nucleotide variant.
Coding change: c.575T>C on transcript NM_014679.5 (MANE Select); coding-DNA position 575, T replaced by C.
Protein change: p.Leu192Pro; replaces leucine 192 with proline.
Molecular consequence: missense variant.
Genome position (GRCh38, 1-based): chr11:95,817,857, T>C. VCF-style: chr11-95817857-T-C. GRCh37 (hg19) VCF-style: chr11-95551021-T-C.
Other names: c.548T>C, p.Leu183Pro (NM_001243776.2); c.575T>C, p.Leu192Pro (NM_001243777.2); c.494T>C, p.Leu165Pro (NM_001363604.2); short protein forms L165P, L183P, L192P.
Identifiers: ClinVar variation 951507 (VCV000951507.12), dbSNP rs1862365071, ClinGen allele CA382422990.

ClinVar aggregate classification (germline): Uncertain significance. Review status: criteria provided, multiple submitters, no conflicts (2 of 4 stars). 2 submissions from 2 submitters: Uncertain significance (2). Last evaluated 2025-03-04.

Conditions:
Mosaic variegated aneuploidy syndrome 2 (MVA2). Identifiers: Orphanet 1052, MedGen C3279843, MONDO:0013582, OMIM 614114.
Inborn genetic diseases. Identifiers: MedGen C0950123, MeSH D030342.

Submissions (2):

Ambry Genetics
Classification: Uncertain significance for Inborn genetic diseases. Last evaluated: 2025-03-04. Review status: criteria provided, single submitter. Criteria: Ambry Variant Classification Scheme 2023. Collection method: clinical testing. Allele origin: germline.
Comment: The p.L192P variant (also known as c.575T>C), located in coding exon 5 of the CEP57 gene, results from a T to C substitution at nucleotide position 575. The leucine at codon 192 is replaced by proline, an amino acid with similar properties. This amino acid position is conserved. In addition, this alteration is predicted to be deleterious by in silico analysis. Based on the available evidence, the clinical significance of this variant remains unclear.

Labcorp Genetics (formerly Invitae), Labcorp
Classification: Uncertain significance for Mosaic variegated aneuploidy syndrome 2. Last evaluated: 2019-03-31. Review status: criteria provided, single submitter. Criteria: Invitae Variant Classification Sherloc (09022015). Collection method: clinical testing. Allele origin: germline.
Comment: In summary, the available evidence is currently insufficient to determine the role of this variant in disease. Therefore, it has been classified as a Variant of Uncertain Significance. Algorithms developed to predict the effect of missense changes on protein structure and function are either unavailable or do not agree on the potential impact of this missense change (SIFT: "Deleterious"; PolyPhen-2: "Benign"; Align-GVGD: "Class C65"). This variant has not been reported in the literature in individuals with CEP57-related conditions. This variant is not present in population databases (ExAC no frequency). This sequence change replaces leucine with proline at codon 192 of the CEP57 protein (p.Leu192Pro). The leucine residue is highly conserved and there is a moderate physicochemical difference between leucine and proline.